The following is an entry in ClinVar:

ClinVar aggregate classification (germline): Uncertain significance (1 of 4 stars; one submission).

Allele frequency attached by ClinVar (database versions not stated): ExAC 0.00006.
gnomAD v4.1: 78 of 1,613,718 alleles (0.0048%); highest among the groups gnomAD compares: Non-Finnish European, 0.0062%; no homozygotes.

Submission:

Labcorp Genetics (formerly Invitae), Labcorp
Classification: Uncertain significance. Last evaluated: 2022-02-20. Review status: criteria provided, single submitter. Criteria: Invitae Variant Classification Sherloc (09022015). Collection method: clinical testing. Allele origin: germline.
Comment: This sequence change replaces serine, which is neutral and polar, with cysteine, which is neutral and slightly polar, at codon 46 of the GGCX protein (p.Ser46Cys). This variant is present in population databases (rs201510718, gnomAD 0.01%). This variant has not been reported in the literature in individuals affected with GGCX-related conditions. Algorithms developed to predict the effect of missense changes on protein structure and function are either unavailable or do not agree on the potential impact of this missense change (SIFT: "Deleterious"; PolyPhen-2: "Benign"; Align-GVGD: "Class C0"). In summary, the available evidence is currently insufficient to determine the role of this variant in disease. Therefore, it has been classified as a Variant of Uncertain Significance.

NM_000821.7(GGCX):c.137C>G (p.Ser46Cys)

Gene: GGCX (gamma-glutamyl carboxylase; minus strand). Cytogenetic location: 2p11.2.
Variant type: single nucleotide variant.
Coding change: c.137C>G on transcript NM_000821.7 (MANE Select); coding-DNA position 137, C replaced by G.
Protein change: p.Ser46Cys; replaces serine 46 with cysteine.
Molecular consequence: missense variant. On other transcripts: intron variant (1).
Genome position (GRCh38, 1-based): chr2:85,560,892, G>C on the plus strand (C>G on the coding strand, the complement: GGCX is on the minus strand). VCF-style: chr2-85560892-G-C. GRCh37 (hg19) VCF-style: chr2-85788015-G-C.
Other names: c.137C>G, p.Ser46Cys (NM_001311312.3); c.43+494C>G (NM_001142269.4); short protein forms S46C.
Identifiers: ClinVar variation 2172719 (VCV002172719.1), dbSNP rs201510718, ClinGen allele CA1742212.